The following is an entry in ClinVar:

NM_001017979.3(RAB28):c.435dup (p.Arg146fs)

Gene: RAB28 (RAB28, member RAS oncogene family; minus strand). Cytogenetic location: 4p15.33.
Variant type: Duplication.
Coding change: c.435dup on transcript NM_001017979.3 (MANE Select); coding-DNA position 435, one base duplicated (A; older notation c.435dupA).
Protein change: p.Arg146fs; shifts the reading frame from arginine 146.
Molecular consequence: frameshift variant.
Genome position (GRCh38, 1-based): chr4:13,381,551, T duplicated on the plus strand (A on the coding strand, the reverse complement: RAB28 is on the minus strand). VCF-style (leftmost placement, unchanged base first): chr4-13381550-G-GT. GRCh37 (hg19) VCF-style: chr4-13383174-G-GT.
Other names: c.435dup, p.Arg146fs (NM_001159601.2, NM_004249.4); short protein forms R146fs.
Identifiers: ClinVar variation 1001199 (VCV001001199.6), dbSNP rs764474764, ClinGen allele CA2860085.

ClinVar aggregate classification (germline): Pathogenic (1 of 4 stars; one submission).

Allele frequency attached by ClinVar (database versions not stated): gnomAD exomes below 0.00001; TOPMed below 0.00001; ExAC 0.00001; gnomAD 0.00001.

Submission:

Labcorp Genetics (formerly Invitae), Labcorp
Classification: Pathogenic. Last evaluated: 2025-04-25. Review status: criteria provided, single submitter. Criteria: Invitae Variant Classification Sherloc (09022015). Collection method: clinical testing. Allele origin: germline.
Comment: This sequence change creates a premature translational stop signal (p.Arg146Thrfs*9) in the RAB28 gene. It is expected to result in an absent or disrupted protein product. Loss-of-function variants in RAB28 are known to be pathogenic (PMID: 23746546, 25356532, 27529348). This variant is present in population databases (rs764474764, gnomAD 0.0009%). This variant has not been reported in the literature in individuals affected with RAB28-related conditions. ClinVar contains an entry for this variant (Variation ID: 1001199). For these reasons, this variant has been classified as Pathogenic.

Literature cited by the submitters: PubMed 23746546; PubMed 25356532; PubMed 27529348.